The following is an entry in ClinVar:

NM_007294.4(BRCA1):c.2583C>G (p.Phe861Leu)

Gene: BRCA1 (BRCA1 DNA repair associated; minus strand). Cytogenetic location: 17q21.31.
Variant type: single nucleotide variant.
Coding change: c.2583C>G on transcript NM_007294.4 (MANE Select); coding-DNA position 2583, C replaced by G.
Protein change: p.Phe861Leu; replaces phenylalanine 861 with leucine.
Molecular consequence: missense variant. On other transcripts: intron variant (137).
Genome position (GRCh38, 1-based): chr17:43,092,948, G>C on the plus strand (C>G on the coding strand, the complement: BRCA1 is on the minus strand). VCF-style: chr17-43092948-G-C. GRCh37 (hg19) VCF-style: chr17-41244965-G-C.
Other names: c.2202C>G, p.Phe734Leu (NM_001407959.1, NM_001407963.1, NM_001407960.1); c.2079C>G, p.Phe693Leu (NM_001407965.1); c.2199C>G, p.Phe733Leu (NM_001407962.1); c.2505C>G, p.Phe835Leu (NM_001407653.1, NM_001407654.1, NM_001407655.1 and 4 more transcripts); c.2439C>G, p.Phe813Leu (NM_001407964.1, NM_001407740.1, NM_001407741.1 and 20 more transcripts); c.2574C>G, p.Phe858Leu (NM_001407647.1, NM_001407646.1); c.2583C>G, p.Phe861Leu (NM_001407652.1, NM_001407581.1, NM_001407582.1 and 30 more transcripts); c.2460C>G, p.Phe820Leu (NM_001407648.1, NM_001407664.1, NM_001407665.1 and 19 more transcripts); and 41 more; short protein forms F861L, F814L, F693L, F749L, F790L, F793L, F819L, F834L.
Identifiers: ClinVar variation 569197 (VCV000569197.12), dbSNP rs1555589334, ClinGen allele CA10596824.

ClinVar aggregate classification (germline): Conflicting classifications of pathogenicity. Review status: criteria provided, conflicting classifications (1 of 4 stars). 2 submissions from 2 submitters: Uncertain significance (1); Likely benign (1). Last evaluated 2023-03-23.

Conditions:
Hereditary breast ovarian cancer syndrome. Also called: Hereditary breast and ovarian cancer syndrome; Breast and ovarian cancer; Hereditary breast and ovarian cancer; Hereditary breast and/or ovarian cancer syndrome; Hereditary breast and ovarian cancer syndrome (HBOC); BRCA1- and BRCA2-Associated Hereditary Breast and Ovarian Cancer. Identifiers: Orphanet 145, MedGen C0677776, MeSH D061325, MONDO:0003582. Disease mechanism: loss of function.
Hereditary cancer-predisposing syndrome. Also called: Hereditary neoplastic syndrome; Tumor predisposition; Neoplastic Syndromes, Hereditary; Hereditary Cancer Syndrome. Identifiers: Orphanet 140162, MedGen C0027672, MeSH D009386, MONDO:0015356.

Submissions (2):

University of Washington Department of Laboratory Medicine, University of Washington
Classification: Likely benign for Hereditary cancer-predisposing syndrome. Last evaluated: 2023-03-23. Review status: criteria provided, single submitter. Criteria: Dines et al. (Genet Med. 2020). Collection method: curation. Allele origin: germline.
Comment: Missense variant in a coldspot region where missense variants are very unlikely to be pathogenic (PMID:31911673).

BRCA1 coldspot (exon 11 using historical exon numbering). Reclassification based on statistical prior probability

Labcorp Genetics (formerly Invitae), Labcorp
Classification: Uncertain significance for Hereditary breast ovarian cancer syndrome. Last evaluated: 2022-12-24. Review status: criteria provided, single submitter. Criteria: Invitae Variant Classification Sherloc (09022015). Collection method: clinical testing. Allele origin: germline.
Comment: In summary, the available evidence is currently insufficient to determine the role of this variant in disease. Therefore, it has been classified as a Variant of Uncertain Significance. Advanced modeling of protein sequence and biophysical properties (such as structural, functional, and spatial information, amino acid conservation, physicochemical variation, residue mobility, and thermodynamic stability) performed at Invitae indicates that this missense variant is not expected to disrupt BRCA1 protein function. ClinVar contains an entry for this variant (Variation ID: 569197). This variant has not been reported in the literature in individuals affected with BRCA1-related conditions. This variant is not present in population databases (gnomAD no frequency). This sequence change replaces phenylalanine, which is neutral and non-polar, with leucine, which is neutral and non-polar, at codon 861 of the BRCA1 protein (p.Phe861Leu).